The following is an entry in ClinVar:

ClinVar aggregate classification (germline): Benign/Likely benign. Review status: criteria provided, multiple submitters, no conflicts (2 of 4 stars). 2 submissions from 2 submitters: Benign (1); Likely benign (1). Last evaluated 2026-07-01.

Conditions:
Sessile serrated polyposis cancer syndrome (SSPCS). Identifiers: Orphanet 157798, MedGen C4310714, MONDO:0014919, OMIM 617108.

gnomAD v4.1: 1 of 1,613,682 alleles (0.000062%); highest among the groups gnomAD compares: Non-Finnish European, 0.000085%; no homozygotes.

Submissions (2):

Myriad Genetics, Inc.
Classification: Benign for Sessile serrated polyposis cancer syndrome. Last evaluated: 2026-07-01. Review status: criteria provided, single submitter. Criteria: Myriad Autosomal Dominant, Autosomal Recessive and X-Linked Classification Criteria (2023). Collection method: clinical testing. Allele origin: unknown.
Comment: This variant is considered benign. This variant is a silent/synonymous amino acid change and it is not expected to impact splicing.

Ambry Genetics
Classification: Likely benign. Last evaluated: 2025-06-15. Review status: criteria provided, single submitter. Criteria: Ambry Variant Classification Scheme 2023. Collection method: clinical testing. Allele origin: germline.

NM_017763.6(RNF43):c.855A>G (p.Leu285=)

Gene: RNF43 (ring finger protein 43; minus strand). Cytogenetic location: 17q22.
Variant type: single nucleotide variant.
Coding change: c.855A>G on transcript NM_017763.6 (MANE Select); coding-DNA position 855, A replaced by G.
Protein change: p.Leu285=; no amino-acid change (leucine 285 retained).
Molecular consequence: synonymous variant.
Genome position (GRCh38, 1-based): chr17:58,360,246, T>C on the plus strand (A>G on the coding strand, the complement: RNF43 is on the minus strand). VCF-style: chr17-58360246-T-C. GRCh37 (hg19) VCF-style: chr17-56437607-T-C.
Other names: c.855A>G, p.Leu285= (NM_001305544.3, NM_001438820.1, NM_001438821.1 and 1 more transcripts); c.474A>G, p.Leu158= (NM_001305545.2, NM_001437987.1).
Identifiers: ClinVar variation 4155718 (VCV004155718.2).